The following is an entry in ClinVar:

ClinVar aggregate classification (germline): Uncertain significance (1 of 4 stars; one submission).

Conditions:
Hereditary cancer-predisposing syndrome. Also called: Tumor predisposition; Neoplastic Syndromes, Hereditary; Hereditary Cancer Syndrome; Hereditary neoplastic syndrome. Identifiers: Orphanet 140162, MedGen C0027672, MeSH D009386, MONDO:0015356.

Submission:

Ambry Genetics
Classification: Uncertain significance for Hereditary cancer-predisposing syndrome. Last evaluated: 2021-12-22. Review status: criteria provided, single submitter. Criteria: Ambry Variant Classification Scheme 2023. Collection method: clinical testing. Allele origin: germline.
Comment: The p.D1026V variant (also known as c.3077A>T), located in coding exon 21 of the PDGFRA gene, results from an A to T substitution at nucleotide position 3077. The aspartic acid at codon 1026 is replaced by valine, an amino acid with highly dissimilar properties. This amino acid position is conserved. In addition, the in silico prediction for this alteration is inconclusive. Since supporting evidence is limited at this time, the clinical significance of this alteration remains unclear.

NM_006206.6(PDGFRA):c.3077A>T (p.Asp1026Val)

Gene: PDGFRA (platelet derived growth factor receptor alpha; plus strand). Cytogenetic location: 4q12.
Variant type: single nucleotide variant.
Coding change: c.3077A>T on transcript NM_006206.6 (MANE Select); coding-DNA position 3077, A replaced by T.
Protein change: p.Asp1026Val; replaces aspartic acid 1026 with valine.
Molecular consequence: missense variant.
Genome position (GRCh38, 1-based): chr4:54,290,509, A>T. VCF-style: chr4-54290509-A-T. GRCh37 (hg19) VCF-style: chr4-55156676-A-T.
Other names: c.3152A>T, p.Asp1051Val (NM_001347828.2); c.3077A>T, p.Asp1026Val (NM_001347829.2); c.3116A>T, p.Asp1039Val (NM_001347830.2); short protein forms D1026V, D1039V, D1051V.
Identifiers: ClinVar variation 1727318 (VCV001727318.2), dbSNP rs1418641601, ClinGen allele CA356896330.